The following is an entry in ClinVar:

NM_003467.3(CXCR4):c.1022C>A (p.Ser341Tyr)

Gene: CXCR4 (C-X-C motif chemokine receptor 4; minus strand). Cytogenetic location: 2q22.1.
Variant type: single nucleotide variant.
Coding change: c.1022C>A on transcript NM_003467.3 (MANE Select); coding-DNA position 1022, C replaced by A.
Protein change: p.Ser341Tyr; replaces serine 341 with tyrosine.
Molecular consequence: missense variant.
Genome position (GRCh38, 1-based): chr2:136,114,906, G>T on the plus strand (C>A on the coding strand, the complement: CXCR4 is on the minus strand). VCF-style: chr2-136114906-G-T. GRCh37 (hg19) VCF-style: chr2-136872476-G-T.
Other names: c.1034C>A, p.Ser345Tyr (NM_001008540.2); c.1235C>A, p.Ser412Tyr (NM_001348056.2); c.1121C>A, p.Ser374Tyr (NM_001348059.2); c.977C>A, p.Ser326Tyr (NM_001348060.2); short protein forms S326Y, S341Y, S345Y, S374Y, S412Y.
Identifiers: ClinVar variation 855700 (VCV000855700.10), dbSNP rs148454403, ClinGen allele CA1890052.

ClinVar aggregate classification (germline): Uncertain significance (1 of 4 stars; one submission).

Conditions:
Warts, hypogammaglobulinemia, infections, and myelokathexis. Also called: WHIM syndrome. Identifiers: MedGen C0472817, MONDO:0023880.

Allele frequency attached by ClinVar (database versions not stated): gnomAD exomes below 0.00001 and 0.00001; ExAC 0.00001; gnomAD 0.00001; TOPMed 0.00001; ESP Exome Variant Server 0.00008.

Submission:

Labcorp Genetics (formerly Invitae), Labcorp
Classification: Uncertain significance for Warts, hypogammaglobulinemia, infections, and myelokathexis. Last evaluated: 2025-08-31. Review status: criteria provided, single submitter. Criteria: Invitae Variant Classification Sherloc (09022015). Collection method: clinical testing. Allele origin: germline.
Comment: This sequence change replaces serine, which is neutral and polar, with tyrosine, which is neutral and polar, at codon 341 of the CXCR4 protein (p.Ser341Tyr). The frequency data for this variant in the population databases is considered unreliable, as metrics indicate poor data quality at this position in the gnomAD database. This missense change has been observed in individual(s) with clinical features of warts, hypogammaglobulinemia, infections and myelokathexis (WHIM) syndrome (internal data). ClinVar contains an entry for this variant (Variation ID: 855700). Experimental studies and prediction algorithms are not available or were not evaluated, and the functional significance of this variant is currently unknown. In summary, the available evidence is currently insufficient to determine the role of this variant in disease. Therefore, it has been classified as a Variant of Uncertain Significance.